The following is an entry in ClinVar:

ClinVar aggregate classification (germline): Likely benign (0 of 4 stars; one submission).

Conditions:
IRAK3-related disorder. Also called: IRAK3-related condition.

Allele frequency attached by ClinVar (database versions not stated): 1000 Genomes Project 0.00040; 1000 Genomes Project 30x 0.00047; gnomAD 0.00050; ESP Exome Variant Server 0.00062; TOPMed 0.00074.
gnomAD v4.1: 135 of 1,613,856 alleles (0.0084%); highest among the groups gnomAD compares: African/African-American, 0.12%; no homozygotes.

Submission:

PreventionGenetics, part of Exact Sciences
Classification: Likely benign for IRAK3-related condition. Last evaluated: 2019-06-06. Review status: no assertion criteria provided. Collection method: clinical testing. Allele origin: germline.
Comment: This variant is classified as likely benign based on ACMG/AMP sequence variant interpretation guidelines (Richards et al. 2015 PMID: 25741868, with internal and published modifications).

NM_007199.3(IRAK3):c.1347C>T (p.Ser449=)

Gene: IRAK3 (interleukin 1 receptor associated kinase 3; plus strand). Cytogenetic location: 12q14.3.
Variant type: single nucleotide variant.
Coding change: c.1347C>T on transcript NM_007199.3 (MANE Select); coding-DNA position 1347, C replaced by T.
Protein change: p.Ser449=; no amino-acid change (serine 449 retained).
Molecular consequence: synonymous variant.
Genome position (GRCh38, 1-based): chr12:66,247,727, C>T. VCF-style: chr12-66247727-C-T. GRCh37 (hg19) VCF-style: chr12-66641507-C-T.
Other names: c.1164C>T, p.Ser388= (NM_001142523.2).
Identifiers: ClinVar variation 3044390 (VCV003044390.2), dbSNP rs11465987, ClinGen allele CA6672949.
Genomic context (GRCh38, chr12:66,247,727, plus strand): 5'-TAATGTCTGTTTGCTTCTTTGTTATTAGGTTTTAAATACTCTTGAAAGTACTCAAGCCAG[C>T]TTGTATTTTGCTGAAGATCCTCCCACATCACTAAAGTCCTTCAGGTGTCCTTCTCCTCTA-3'
Protein context (NP_009130.2, residues 439-459): VLNTLESTQA[Ser449=]LYFAEDPPTS